The following is an entry in ClinVar:

ClinVar aggregate classification (germline): Uncertain significance (1 of 4 stars; one submission).

Conditions:
Inborn genetic diseases. Identifiers: MedGen C0950123, MeSH D030342.

Submission:

Ambry Genetics
Classification: Uncertain significance for Inborn genetic diseases. Last evaluated: 2026-07-28. Review status: criteria provided, single submitter. Criteria: Ambry Variant Classification Scheme 2023. Collection method: clinical testing. Allele origin: germline.
Comment: The p.Y228S variant (also known as c.683A>C), located in coding exon 5 of the ELANE gene, results from an A to C substitution at nucleotide position 683. The tyrosine at codon 228 is replaced by serine, an amino acid with dissimilar properties. This amino acid position is conserved. In addition, this alteration is predicted to be tolerated by in silico analysis. Based on the available evidence, the clinical significance of this variant remains unclear.

NM_001972.4(ELANE):c.683A>C (p.Tyr228Ser)

Gene: ELANE (elastase, neutrophil expressed; plus strand). Cytogenetic location: 19p13.3.
Variant type: single nucleotide variant.
Coding change: c.683A>C on transcript NM_001972.4 (MANE Select); coding-DNA position 683, A replaced by C.
Protein change: p.Tyr228Ser; replaces tyrosine 228 with serine.
Molecular consequence: missense variant.
Genome position (GRCh38, 1-based): chr19:856,043, A>C. VCF-style: chr19-856043-A-C. GRCh37 (hg19) VCF-style: chr19-856043-A-C.
Other names: short protein forms Y228S.
Identifiers: ClinVar variation 5035890 (VCV005035890.1).